The following is an entry in ClinVar:

ClinVar aggregate classification (germline): Benign/Likely benign. Review status: criteria provided, multiple submitters, no conflicts (2 of 4 stars). 5 submissions from 5 submitters: Benign (2); Likely benign (3). Last evaluated 2026-01-15.

Allele frequency attached by ClinVar (database versions not stated): ExAC below 0.00001; 1000 Genomes Project 30x 0.00062; gnomAD 0.00127 and 0.00131; TOPMed 0.00134; gnomAD exomes 0.00221.
gnomAD v4.1: 3,521 of 1,280,446 alleles (0.27%); highest among the groups gnomAD compares: Non-Finnish European, 0.33%; 4 homozygotes.

Submissions (5):

Labcorp Genetics (formerly Invitae), Labcorp
Classification: Likely benign. Last evaluated: 2026-01-15. Review status: criteria provided, single submitter. Criteria: Invitae Variant Classification Sherloc (09022015). Collection method: clinical testing. Allele origin: germline.

Women's Health and Genetics/Laboratory Corporation of America, LabCorp
Classification: Benign. Last evaluated: 2025-03-18. Review status: criteria provided, single submitter. Criteria: LabCorp Variant Classification Summary - May 2015. Collection method: clinical testing. Allele origin: germline.

Blueprint Genetics
Classification: Likely benign. Last evaluated: 2024-11-27. Review status: criteria provided, single submitter. Criteria: ACMG Guidelines, 2015. Collection method: clinical testing. Allele origin: germline.

Genetic Services Laboratory, University of Chicago
Classification: Likely benign. Last evaluated: 2016-12-09. Review status: criteria provided, single submitter. Criteria: ACMG Guidelines, 2015. Collection method: clinical testing. Allele origin: germline. Affected: no.

GeneDx
Classification: Benign. Last evaluated: 2013-12-04. Review status: criteria provided, single submitter. Criteria: GeneDx Variant Classification (06012015). Collection method: clinical testing. Allele origin: germline. Affected: yes.
Comment: This variant is considered likely benign or benign based on one or more of the following criteria: it is a conservative change, it occurs at a poorly conserved position in the protein, it is predicted to be benign by multiple in silico algorithms, and/or has population frequency not consistent with disease.

NM_001130969.3(NSMF):c.71+9G>A

Genes: NSMF (NMDA receptor synaptonuclear signaling and neuronal migration factor; minus strand), LOC130003121 (ATAC-STARR-seq lymphoblastoid silent region 20625; plus strand). Cytogenetic location: 9q34.3.
Variant type: single nucleotide variant.
Coding change: c.71+9G>A on transcript NM_001130969.3 (MANE Select); 9 bases into the intron after coding-DNA position 71, G replaced by A.
Molecular consequence: intron variant.
Genome position (GRCh38, 1-based): chr9:137,459,023, C>T on the plus strand (G>A on the coding strand, the complement: NSMF is on the minus strand). VCF-style: chr9-137459023-C-T. GRCh37 (hg19) VCF-style: chr9-140353475-C-T.
Other names: c.71+9G>A (NM_001130971.2, NM_015537.5, NM_001130970.2 and 1 more transcripts).
Identifiers: ClinVar variation 138563 (VCV000138563.17), dbSNP rs587781103, ClinGen allele CA292612.